The following is an entry in ClinVar:

ClinVar aggregate classification (germline): Pathogenic (1 of 4 stars; one submission).

Submission:

Labcorp Genetics (formerly Invitae), Labcorp
Classification: Pathogenic. Last evaluated: 2025-09-03. Review status: criteria provided, single submitter. Criteria: Invitae Variant Classification Sherloc (09022015). Collection method: clinical testing. Allele origin: germline.
Comment: This sequence change creates a premature translational stop signal (p.Glu806*) in the HR gene. It is expected to result in an absent or disrupted protein product. Loss-of-function variants in HR are known to be pathogenic (PMID: 17869066, 18164595). This variant is not present in population databases (gnomAD no frequency). This variant has not been reported in the literature in individuals affected with HR-related conditions. For these reasons, this variant has been classified as Pathogenic.

Literature cited by the submitters: PubMed 17869066; PubMed 18164595.

NM_005144.5(HR):c.2416G>T (p.Glu806Ter)

Gene: HR (HR lysine demethylase and nuclear receptor corepressor; minus strand). Cytogenetic location: 8p21.3.
Variant type: single nucleotide variant.
Coding change: c.2416G>T on transcript NM_005144.5 (MANE Select); coding-DNA position 2416, G replaced by T.
Protein change: p.Glu806Ter; replaces glutamic acid 806 with a stop codon.
Molecular consequence: nonsense.
Genome position (GRCh38, 1-based): chr8:22,120,910, C>A on the plus strand (G>T on the coding strand, the complement: HR is on the minus strand). VCF-style: chr8-22120910-C-A. GRCh37 (hg19) VCF-style: chr8-21978423-C-A.
Other names: c.2416G>T, p.Glu806Ter (NM_018411.4); short protein forms E806*.
Identifiers: ClinVar variation 4726510 (VCV004726510.1).